The following is an entry in ClinVar:

NM_006231.4(POLE):c.5204C>A (p.Ala1735Asp)

Gene: POLE (DNA polymerase epsilon, catalytic subunit; minus strand). Cytogenetic location: 12q24.33.
Variant type: single nucleotide variant.
Coding change: c.5204C>A on transcript NM_006231.4 (MANE Select); coding-DNA position 5204, C replaced by A.
Protein change: p.Ala1735Asp; replaces alanine 1735 with aspartic acid.
Molecular consequence: missense variant.
Genome position (GRCh38, 1-based): chr12:132,641,821, G>T on the plus strand (C>A on the coding strand, the complement: POLE is on the minus strand). VCF-style: chr12-132641821-G-T. GRCh37 (hg19) VCF-style: chr12-133218407-G-T.
Other names: short protein forms A1735D.
Identifiers: ClinVar variation 1746050 (VCV001746050.5), dbSNP rs1467058337, ClinGen allele CA387376438.
Genomic context (GRCh38, chr12:132,641,821, plus strand): 5'-CCCATGCTGTCGGCCCCCTCCATGTCGTTGACATGGTGAGACTGGAGAATGGTGTTGACG[G>T]CCAGGTTCTGAAGGTCCAGCTCCACACACACTGCACAGGAAGACGCCATGCTCAGCCAGC-3'
Protein context (NP_006222.2, residues 1725-1745): VCVELDLQNL[Ala1735Asp]VNTILQSHHV

ClinVar aggregate classification (germline): Uncertain significance. Review status: criteria provided, multiple submitters, no conflicts (2 of 4 stars). 2 submissions from 2 submitters: Uncertain significance (2). Last evaluated 2026-04-03.

Conditions:
Hereditary cancer-predisposing syndrome. Also called: Hereditary neoplastic syndrome; Tumor predisposition; Neoplastic Syndromes, Hereditary; Hereditary Cancer Syndrome. Identifiers: Orphanet 140162, MedGen C0027672, MeSH D009386, MONDO:0015356.

Submissions (2):

Women's Health and Genetics/Laboratory Corporation of America, LabCorp
Classification: Uncertain significance. Last evaluated: 2026-04-03. Review status: criteria provided, single submitter. Criteria: LabCorp Variant Classification Summary - May 2015. Collection method: clinical testing. Allele origin: germline.

Ambry Genetics
Classification: Uncertain significance for Hereditary cancer-predisposing syndrome. Last evaluated: 2024-12-31. Review status: criteria provided, single submitter. Criteria: Ambry Variant Classification Scheme 2023. Collection method: clinical testing. Allele origin: germline.
Comment: The p.A1735D variant (also known as c.5204C>A), located in coding exon 39 of the POLE gene, results from a C to A substitution at nucleotide position 5204. The alanine at codon 1735 is replaced by aspartic acid, an amino acid with dissimilar properties. This amino acid position is highly conserved in available vertebrate species. In addition, this alteration is predicted to be deleterious by in silico analysis. Based on the available evidence, the clinical significance of this variant remains unclear.